The following is an entry in ClinVar:

NM_000263.4(NAGLU):c.1295T>C (p.Leu432Pro)

Gene: NAGLU (N-acetyl-alpha-glucosaminidase; plus strand). Cytogenetic location: 17q21.2.
Variant type: single nucleotide variant.
Coding change: c.1295T>C on transcript NM_000263.4 (MANE Select); coding-DNA position 1295, T replaced by C.
Protein change: p.Leu432Pro; replaces leucine 432 with proline.
Molecular consequence: missense variant.
Genome position (GRCh38, 1-based): chr17:42,543,301, T>C. VCF-style: chr17-42543301-T-C. GRCh37 (hg19) VCF-style: chr17-40695319-T-C.
Other names: short protein forms L432P.
Identifiers: ClinVar variation 3901609 (VCV003901609.1).

ClinVar aggregate classification (germline): Uncertain significance (1 of 4 stars; one submission).

Submission:

GeneDx
Classification: Uncertain significance. Last evaluated: 2024-11-30. Review status: criteria provided, single submitter. Criteria: GeneDx Variant Classification Process June 2021. Collection method: clinical testing. Allele origin: germline. Affected: yes.
Comment: Not observed at significant frequency in large population cohorts (gnomAD); In silico analysis indicates that this missense variant does not alter protein structure/function; Has not been previously published as pathogenic or benign to our knowledge